The following is an entry in ClinVar:

ClinVar aggregate classification (germline): Uncertain significance (1 of 4 stars; one submission).

gnomAD v4.1: 7 of 1,609,044 alleles (0.00044%); highest among the groups gnomAD compares: Admixed American, 0.0033%; no homozygotes.

Submission:

Dasa
Classification: Uncertain significance. Last evaluated: 2025-05-27. Review status: criteria provided, single submitter. Criteria: DASA Assertion Criteria. Collection method: clinical testing. Allele origin: germline.
Comment: NM_017917.4(PPP2R3C):c.370T>G (p.Leu124Val) is a missense variant that results in the substitution of leucine with valine. This variant is rare in population databases. Computational prediction algorithms are consistent with a benign effect. The currently available literature and clinical evidence are not sufficient to establish a definitive association between this variant and the reported condition. Therefore, this variant is classified as a variant of uncertain significance.

NM_017917.4(PPP2R3C):c.370T>G (p.Leu124Val)

Genes: PPP2R3C (protein phosphatase 2 regulatory subunit B''gamma; minus strand), LOC101927178 (uncharacterized LOC101927178; plus strand). Cytogenetic location: 14q13.2.
Variant type: single nucleotide variant.
Coding change: c.370T>G on transcript NM_017917.4 (MANE Select); coding-DNA position 370, T replaced by G.
Protein change: p.Leu124Val; replaces leucine 124 with valine.
Molecular consequence: missense variant. On other transcripts: non-coding transcript variant (1).
Genome position (GRCh38, 1-based): chr14:35,109,853, A>C on the plus strand (T>G on the coding strand, the complement: PPP2R3C is on the minus strand). VCF-style: chr14-35109853-A-C. GRCh37 (hg19) VCF-style: chr14-35579059-A-C.
Other names: c.40T>G, p.Leu14Val (NM_001305155.2, NM_001305156.2); short protein forms L124V, L14V.
Identifiers: ClinVar variation 4885834 (VCV004885834.2).